The following is an entry in ClinVar:

ClinVar aggregate classification (germline): Pathogenic (1 of 4 stars; one submission).

Conditions:
Senior-Loken syndrome 8 (SLSN8). Identifiers: Orphanet 3156, MedGen C4225376, MONDO:0014579, OMIM 616307.
Asphyxiating thoracic dystrophy 5 (SRTD5). Also called: SHORT-RIB THORACIC DYSPLASIA 5 WITH OR WITHOUT POLYDACTYLY; SHORT-RIB THORACIC DYSPLASIA 5 WITHOUT POLYDACTYLY. Identifiers: Orphanet 474, MedGen C3280598, MONDO:0013717, OMIM 614376.

Submission:

Labcorp Genetics (formerly Invitae), Labcorp
Classification: Pathogenic for Senior-Loken syndrome 8; Asphyxiating thoracic dystrophy 5. Last evaluated: 2021-04-27. Review status: criteria provided, single submitter. Criteria: Invitae Variant Classification Sherloc (09022015). Collection method: clinical testing. Allele origin: germline.
Comment: This variant is not present in population databases (ExAC no frequency). This sequence change creates a premature translational stop signal (p.Leu211Phefs*8) in the WDR19 gene. It is expected to result in an absent or disrupted protein product. Loss-of-function variants in WDR19 are known to be pathogenic (PMID: 22019273, 23559409, 23683095, 26275793, 27241786, 29068549). This variant has not been reported in the literature in individuals with WDR19-related conditions. For these reasons, this variant has been classified as Pathogenic.

Literature cited by the submitters: PubMed 22019273; PubMed 23559409; PubMed 23683095; PubMed 26275793; PubMed 27241786; PubMed 29068549.

NM_025132.4(WDR19):c.632dup (p.Leu211fs)

Gene: WDR19 (WD repeat domain 19; plus strand). Cytogenetic location: 4p14.
Variant type: Duplication.
Coding change: c.632dup on transcript NM_025132.4 (MANE Select); coding-DNA position 632, one base duplicated (T; older notation c.632dupT).
Protein change: p.Leu211fs; shifts the reading frame from leucine 211.
Molecular consequence: frameshift variant.
Genome position (GRCh38, 1-based): chr4:39,205,182, T duplicated; the last of 3 consecutive T bases (chr4:39,205,180-39,205,182); duplicating any one gives the same sequence. VCF-style (leftmost placement, unchanged base first): chr4-39205179-C-CT. GRCh37 (hg19) VCF-style: chr4-39206799-C-CT.
Other names: c.152dup, p.Leu51fs (NM_001317924.2); short protein forms L211fs, L51fs.
Identifiers: ClinVar variation 1446760 (VCV001446760.6), dbSNP rs2109299952, ClinGen allele CA2573137690.
Genomic context (GRCh38, chr4:39,205,179, plus strand): 5'-AACTCATTTCACAATCTCCTAATCTTTTCTGGCAGATAAGTGTGGTGCTTGGCAAGAAAA[C>CT]TTTGTTTTTTTTAAATCTGAATGAACCAGATAACCCAGCTGATCTTGAATTTCAGCAGGA-3'